The following is an entry in ClinVar:

ClinVar aggregate classification (germline): Uncertain significance. Review status: criteria provided, multiple submitters, no conflicts (2 of 4 stars). 10 submissions from 10 submitters: Uncertain significance (10). Last evaluated 2025-12-20.

Conditions:
Familial adenomatous polyposis 1 (FAP1). Also called: FAMILIAL ADENOMATOUS POLYPOSIS 1, ATTENUATED; POLYPOSIS, ADENOMATOUS INTESTINAL. Identifiers: MedGen C2713442, MONDO:0021056, OMIM 175100. Disease mechanism: loss of function.
Hereditary cancer-predisposing syndrome. Also called: Tumor predisposition; Hereditary Cancer Syndrome; Hereditary neoplastic syndrome; Neoplastic Syndromes, Hereditary. Identifiers: Orphanet 140162, MedGen C0027672, MeSH D009386, MONDO:0015356.
Classic or attenuated familial adenomatous polyposis. Identifiers: MedGen CN372698, MONDO:0021057.

Allele frequency attached by ClinVar (database versions not stated): gnomAD exomes below 0.00001 and 0.00001; TOPMed below 0.00001; gnomAD 0.00001.
gnomAD v4.1: 19 of 1,603,266 alleles (0.0012%); highest among the groups gnomAD compares: Non-Finnish European, 0.0015%; no homozygotes.

Submissions (10):

Labcorp Genetics (formerly Invitae), Labcorp
Classification: Uncertain significance for Familial adenomatous polyposis 1. Last evaluated: 2025-12-20. Review status: criteria provided, single submitter. Criteria: Invitae Variant Classification Sherloc (09022015). Collection method: clinical testing. Allele origin: germline.
Comment: This sequence change replaces phenylalanine, which is neutral and non-polar, with isoleucine, which is neutral and non-polar, at codon 178 of the APC protein (p.Phe178Ile). The frequency data for this variant in the population databases is considered unreliable, as metrics indicate poor data quality at this position in the gnomAD database. This variant has not been reported in the literature in individuals affected with APC-related conditions. ClinVar contains an entry for this variant (Variation ID: 411510). An algorithm developed to predict the effect of missense changes on protein structure and function (PolyPhen-2) suggests that this variant is likely to be disruptive. In summary, the available evidence is currently insufficient to determine the role of this variant in disease. Therefore, it has been classified as a Variant of Uncertain Significance.

Department of Pathology and Laboratory Medicine, Sinai Health System
Classification: Uncertain significance for classic or attenuated familial adenomatous polyposis. Last evaluated: 2024-11-29. Review status: criteria provided, single submitter. Criteria: ACMG Guidelines, 2015. Collection method: clinical testing. Allele origin: germline.

Ambry Genetics
Classification: Uncertain significance for Hereditary cancer-predisposing syndrome. Last evaluated: 2024-07-30. Review status: criteria provided, single submitter. Criteria: Ambry Variant Classification Scheme 2023. Collection method: clinical testing. Allele origin: germline.
Comment: The p.F178I variant (also known as c.532T>A) is located in coding exon 5 of the APC gene. The phenylalanine at codon 178 is replaced by isoleucine, an amino acid with highly similar properties. This change occurs in the first base pair of coding exon 5. This amino acid position is highly conserved in available vertebrate species. In addition, in silico predictors for this gene do not accurately predict pathogenicity. Missense alterations in APC are not a common cause of disease (Spier I et al. Genet Med. 2024 Feb;26(2):100992). Based on the available evidence, the clinical significance of this variant remains unclear.

Molecular Pathology, Peter Maccallum Cancer Centre
Classification: Uncertain significance for Familial adenomatous polyposis 1. Last evaluated: 2024-05-08. Review status: criteria provided, single submitter. Criteria: ACMG Guidelines, 2015. Collection method: clinical testing. Allele origin: germline. Inheritance: Autosomal dominant inheritance.

All of Us Research Program, National Institutes of Health
Classification: Uncertain significance for Classic or attenuated familial adenomatous polyposis. Last evaluated: 2023-07-19. Review status: criteria provided, single submitter. Criteria: ACMG Guidelines, 2015. Collection method: clinical testing. Allele origin: germline. Inheritance: Autosomal dominant inheritance. Observed: 2 variant alleles, 2 heterozygotes.
Comment: This missense variant replaces phenylalanine with isoleucine at codon 178 of the APC protein. Computational prediction suggests that this variant may have deleterious impact on protein structure and function (internally defined REVEL score threshold >= 0.7, PMID: 27666373). Splice site prediction tools suggest that this variant may not impact RNA splicing. To our knowledge, functional studies have not been performed for this variant. This variant has not been reported in individuals affected with hereditary cancer in the literature. This variant has been identified in 1/248956 chromosomes in the general population by the Genome Aggregation Database (gnomAD). The available evidence is insufficient to determine the role of this variant in disease conclusively. Therefore, this variant is classified as a Variant of Uncertain Significance.

This study involves interpretation of variants in research participants for the purpose of population health screening. Participant phenotype was not available at the time of variant classification. Additional details can be found in publication PMID: 35346344, PMCID: PMC8962531

Baylor Genetics
Classification: Uncertain significance for Familial adenomatous polyposis 1. Last evaluated: 2023-07-03. Review status: criteria provided, single submitter. Criteria: ACMG Guidelines, 2015. Collection method: clinical testing. Allele origin: unknown.

Color Diagnostics, LLC DBA Color Health
Classification: Uncertain significance for Hereditary cancer-predisposing syndrome. Last evaluated: 2023-03-16. Review status: criteria provided, single submitter. Criteria: ACMG Guidelines, 2015. Collection method: clinical testing. Allele origin: germline.
Comment: This missense variant replaces phenylalanine with isoleucine at codon 178 of the APC protein. Computational prediction suggests that this variant may have deleterious impact on protein structure and function (internally defined REVEL score threshold >= 0.7, PMID: 27666373). To our knowledge, functional studies have not been reported for this variant. This variant has been reported in families affected with familial adenomatous polyposis (Mayordomo et al. 2020, DOI 10.1007/s10689-019-00150-8). This variant has been identified in 1/248956 chromosomes in the general population by the Genome Aggregation Database (gnomAD). The available evidence is insufficient to determine the role of this variant in disease conclusively. Therefore, this variant is classified as a Variant of Uncertain Significance.

Sema4
Classification: Uncertain significance for Hereditary cancer-predisposing syndrome. Last evaluated: 2021-07-26. Review status: criteria provided, single submitter. Criteria: Sema4 Curation Guidelines. Collection method: curation. Allele origin: germline.
Comment: The APC c.532T>A (p.F178I) variant has not been reported in the literature to our knowledge. It was observed in 1/112254 chromosomes of the European (non-Finnish) subpopulation in the large and broad cohorts of the Genome Aggregation Database (PMID: 32461654). This variant has been reported in ClinVar (Variation ID 411510). In silico tools suggest the impact of the variant on protein function is deleterious, though these predictions have not been confirmed by functional studies. The evidence is insufficient to meet ACMG/AMP criteria for classifying the variant as benign or pathogenic. Thus, the clinical significance of this variant is currently uncertain.

GeneDx
Classification: Uncertain significance. Last evaluated: 2019-09-26. Review status: criteria provided, single submitter. Criteria: GeneDx Variant Classification Process June 2021. Collection method: clinical testing. Allele origin: germline. Affected: yes.
Comment: Not observed at a significant frequency in large population cohorts (Lek 2016); In silico analysis, which includes protein predictors and evolutionary conservation, supports a deleterious effect; Has not been previously published as pathogenic or benign to our knowledge

ARUP Laboratories, Molecular Genetics and Genomics, ARUP Laboratories
Classification: Uncertain significance. Last evaluated: 2019-04-05. Review status: criteria provided, single submitter. Criteria: ARUP Molecular Germline Variant Investigation Process. Collection method: clinical testing. Allele origin: germline.
Comment: The APC c.532T>A; p.Phe178Ile variant (rs1060503344), to our knowledge, is not reported in the medical literature but is reported in ClinVar (Variation ID: 411510). This variant is found on a single chromosome (1/248956) in the Genome Aggregation Database, indicating it is not a common polymorphism. The phenylalanine at codon 178 is highly conserved, and computational analyses (SIFT, PolyPhen-2) predict that this variant is deleterious, although the majority of pathogenic APC variants are truncating nonsense or frameshift variants (Kerr 2013, InSiGHt database). Due to limited information, the clinical significance of the p.Phe178Ile variant is uncertain at this time. References: Link to InSiGHt database: Kerr SE et al. APC germline mutations in individuals being evaluated for familial adenomatous polyposis: a review of the Mayo Clinic experience with 1591 consecutive tests. J Mol Diagn. 2013 Jan;15(1):31-43.

NM_000038.6(APC):c.532T>A (p.Phe178Ile)

Gene: APC (APC regulator of Wnt signaling pathway; plus strand). Cytogenetic location: 5q22.2.
Variant type: single nucleotide variant.
Coding change: c.532T>A on transcript NM_000038.6 (MANE Select); coding-DNA position 532, T replaced by A.
Protein change: p.Phe178Ile; replaces phenylalanine 178 with isoleucine.
Molecular consequence: missense variant. On other transcripts: 5 prime UTR variant (1).
Genome position (GRCh38, 1-based): chr5:112,780,790, T>A. VCF-style: chr5-112780790-T-A. GRCh37 (hg19) VCF-style: chr5-112116487-T-A.
Other names: c.532T>A, p.Phe178Ile (NM_001127510.3, NM_001354895.2, NM_001354896.2 and 2 more transcripts); c.562T>A, p.Phe188Ile (NM_001127511.3, NM_001354897.2, NM_001354902.2); c.457T>A, p.Phe153Ile (NM_001354898.2, NM_001354904.2); c.355T>A, p.Phe119Ile (NM_001354900.2, NM_001354901.2, NM_001354905.2); c.-504T>A (NM_001354906.2); short protein forms F178I, F188I, F119I, F153I.
Identifiers: ClinVar variation 411510 (VCV000411510.32), dbSNP rs1060503344, ClinGen allele CA16022491.